The following is an entry in ClinVar:

ClinVar aggregate classification (germline): Conflicting classifications of pathogenicity. Review status: criteria provided, conflicting classifications (1 of 4 stars). 4 submissions from 4 submitters: Uncertain significance (3); Likely benign (1). Last evaluated 2025-11-13.

Conditions:
Hereditary cancer-predisposing syndrome. Also called: Neoplastic Syndromes, Hereditary; Hereditary Cancer Syndrome; Hereditary neoplastic syndrome; Tumor predisposition. Identifiers: Orphanet 140162, MedGen C0027672, MeSH D009386, MONDO:0015356.
Hereditary breast ovarian cancer syndrome. Also called: Hereditary breast and ovarian cancer syndrome (HBOC); Hereditary breast and ovarian cancer syndrome; Breast and ovarian cancer; Hereditary breast and/or ovarian cancer syndrome; Hereditary breast and ovarian cancer; BRCA1- and BRCA2-Associated Hereditary Breast and Ovarian Cancer. Identifiers: Orphanet 145, MedGen C0677776, MeSH D061325, MONDO:0003582. Disease mechanism: loss of function.

Allele frequency attached by ClinVar (database versions not stated): gnomAD exomes below 0.00001.
gnomAD v4.1: 1 of 1,610,418 alleles (0.000062%); highest among the groups gnomAD compares: Admixed American, 0.0017%; no homozygotes.

Submissions (4):

Ambry Genetics
Classification: Uncertain significance for Hereditary cancer-predisposing syndrome. Last evaluated: 2025-11-13. Review status: criteria provided, single submitter. Criteria: Ambry Variant Classification Scheme 2023. Collection method: clinical testing. Allele origin: germline.
Comment: The p.L1042F variant (also known as c.3126A>C), located in coding exon 10 of the BRCA2 gene, results from an A to C substitution at nucleotide position 3126. The leucine at codon 1042 is replaced by phenylalanine, an amino acid with highly similar properties. This amino acid position is conserved. In addition, this alteration is predicted to be tolerated by in silico analysis. Based on the available evidence, the clinical significance of this variant remains unclear.

Quest Diagnostics Nichols Institute San Juan Capistrano
Classification: Uncertain significance. Last evaluated: 2025-08-25. Review status: criteria provided, single submitter. Criteria: Quest Diagnostics criteria. Collection method: clinical testing. Allele origin: unknown.
Comment: The BRCA2 c.3126A>C (p.Leu1042Phe) variant has not been reported in individuals with BRCA2-related conditions in the published literature. This variant has been reported to be located in a region of the BRCA2 gene that is tolerant to missense sequence changes (PMID: 31911673 (2020)). The frequency of this variant in the general population (Genome Aggregation Database) is uninformative in the assessment of its pathogenicity. Analysis of this variant using bioinformatics tools for the prediction of the effect of amino acid changes on protein structure and function yielded predictions that this variant is benign. Based on the available information, we are unable to determine the clinical significance of this variant.

University of Washington Department of Laboratory Medicine, University of Washington
Classification: Likely benign for Hereditary cancer-predisposing syndrome. Last evaluated: 2023-03-23. Review status: criteria provided, single submitter. Criteria: Dines et al. (Genet Med. 2020). Collection method: curation. Allele origin: germline.
Comment: Missense variant in a coldspot region where missense variants are very unlikely to be pathogenic (PMID:31911673).

BRCA2 exon 11 coldspot. Reclassification based on statistical prior probability.

Labcorp Genetics (formerly Invitae), Labcorp
Classification: Uncertain significance for Hereditary breast ovarian cancer syndrome. Last evaluated: 2022-08-31. Review status: criteria provided, single submitter. Criteria: Invitae Variant Classification Sherloc (09022015). Collection method: clinical testing. Allele origin: germline.
Comment: In summary, the available evidence is currently insufficient to determine the role of this variant in disease. Therefore, it has been classified as a Variant of Uncertain Significance. Advanced modeling of protein sequence and biophysical properties (such as structural, functional, and spatial information, amino acid conservation, physicochemical variation, residue mobility, and thermodynamic stability) performed at Invitae indicates that this missense variant is not expected to disrupt BRCA2 protein function. ClinVar contains an entry for this variant (Variation ID: 462286). This variant has not been reported in the literature in individuals affected with BRCA2-related conditions. This variant is present in population databases (no rsID available, gnomAD 0.003%). This sequence change replaces leucine, which is neutral and non-polar, with phenylalanine, which is neutral and non-polar, at codon 1042 of the BRCA2 protein (p.Leu1042Phe).

Literature cited by the submitters: PubMed 31911673 (cited by Quest Diagnostics Nichols Institute San Juan Capistrano).

NM_000059.4(BRCA2):c.3126A>C (p.Leu1042Phe)

Gene: BRCA2 (BRCA2 DNA repair associated; plus strand). Cytogenetic location: 13q13.1.
Variant type: single nucleotide variant.
Coding change: c.3126A>C on transcript NM_000059.4 (MANE Select); coding-DNA position 3126, A replaced by C.
Protein change: p.Leu1042Phe; replaces leucine 1042 with phenylalanine.
Molecular consequence: missense variant.
Genome position (GRCh38, 1-based): chr13:32,337,481, A>C. VCF-style: chr13-32337481-A-C. GRCh37 (hg19) VCF-style: chr13-32911618-A-C.
Other names: short protein forms L1042F.
Identifiers: ClinVar variation 462286 (VCV000462286.14), dbSNP rs1408500302, ClinGen allele CA387775716.